The following is an entry in ClinVar:

NM_015102.5(NPHP4):c.4251G>A (p.Glu1417=)

Gene: NPHP4 (nephrocystin 4; minus strand). Cytogenetic location: 1p36.31.
Variant type: single nucleotide variant.
Coding change: c.4251G>A on transcript NM_015102.5 (MANE Select); coding-DNA position 4251, G replaced by A.
Protein change: p.Glu1417=; no amino-acid change (glutamic acid 1417 retained).
Molecular consequence: synonymous variant. On other transcripts: non-coding transcript variant (1).
Genome position (GRCh38, 1-based): chr1:5,863,295, C>T on the plus strand (G>A on the coding strand, the complement: NPHP4 is on the minus strand). VCF-style: chr1-5863295-C-T. GRCh37 (hg19) VCF-style: chr1-5923355-C-T.
Other names: c.2712G>A, p.Glu904= (NM_001291593.2); c.2715G>A, p.Glu905= (NM_001291594.2).
Identifiers: ClinVar variation 3047954 (VCV003047954.2), dbSNP rs2522589693, ClinGen allele CA415786777.
Genomic context (GRCh38, chr1:5,863,295, plus strand): 5'-TGCCGCAGGAAGGACGTCACCCTCAAGCCCTCACTGGTAGATGACCTTCACGCAAAATGC[C>T]TCTTCGTTTTTGTCCTCATGGTCATTGATGTAGATCAGGATCTCCTCCTCACCCACTCTC-3'
Protein context (NP_055917.1, residues 1407-1426): YINDHEDKNE[Glu1417=]AFCVKVIYQ

ClinVar aggregate classification (germline): Likely benign (0 of 4 stars; one submission).

Conditions:
NPHP4-related disorder. Also called: NPHP4-related disorders; NPHP4-related condition. Identifiers: MedGen CN239384.

Submission:

PreventionGenetics, part of Exact Sciences
Classification: Likely benign for NPHP4-related condition. Last evaluated: 2022-05-06. Review status: no assertion criteria provided. Collection method: clinical testing. Allele origin: germline.
Comment: This variant is classified as likely benign based on ACMG/AMP sequence variant interpretation guidelines (Richards et al. 2015 PMID: 25741868, with internal and published modifications).